The following is an entry in ClinVar:

NM_181426.2(CCDC39):c.347G>C (p.Ser116Thr)

Gene: CCDC39 (coiled-coil domain 39 molecular ruler complex subunit; minus strand). Cytogenetic location: 3q26.33.
Variant type: single nucleotide variant.
Coding change: c.347G>C on transcript NM_181426.2 (MANE Select); coding-DNA position 347, G replaced by C.
Protein change: p.Ser116Thr; replaces serine 116 with threonine.
Molecular consequence: missense variant.
Genome position (GRCh38, 1-based): chr3:180,661,871, C>G on the plus strand (G>C on the coding strand, the complement: CCDC39 is on the minus strand). VCF-style: chr3-180661871-C-G. GRCh37 (hg19) VCF-style: chr3-180379659-C-G.
Other names: short protein forms S116T.
Identifiers: ClinVar variation 1511814 (VCV001511814.3), dbSNP rs181573011, ClinGen allele CA2716194.

ClinVar aggregate classification (germline): Uncertain significance (1 of 4 stars; one submission).

Conditions:
Primary ciliary dyskinesia. Also called: Ciliary dyskinesia. Identifiers: Orphanet 244, MedGen C0008780, MONDO:0016575, HP:0012265.

Allele frequency attached by ClinVar (database versions not stated): gnomAD 0.00001 and 0.00003; gnomAD exomes 0.00001; TOPMed 0.00003; ExAC 0.00005; 1000 Genomes Project 0.00040; 1000 Genomes Project 30x 0.00047.
gnomAD v4.1: 14 of 1,582,338 alleles (0.00088%); highest among the groups gnomAD compares: Admixed American, 0.015%; no homozygotes.

Submission:

Labcorp Genetics (formerly Invitae), Labcorp
Classification: Uncertain significance for Primary ciliary dyskinesia. Last evaluated: 2022-07-20. Review status: criteria provided, single submitter. Criteria: Invitae Variant Classification Sherloc (09022015). Collection method: clinical testing. Allele origin: germline.
Comment: This sequence change replaces serine, which is neutral and polar, with threonine, which is neutral and polar, at codon 116 of the CCDC39 protein (p.Ser116Thr). This variant is present in population databases (rs181573011, gnomAD 0.01%). This variant has not been reported in the literature in individuals affected with CCDC39-related conditions. ClinVar contains an entry for this variant (Variation ID: 1511814). Algorithms developed to predict the effect of missense changes on protein structure and function output the following: SIFT: "Tolerated"; PolyPhen-2: "Benign"; Align-GVGD: "Class C0". The threonine amino acid residue is found in multiple mammalian species, which suggests that this missense change does not adversely affect protein function. Algorithms developed to predict the effect of sequence changes on RNA splicing suggest that this variant may disrupt the consensus splice site. In summary, the available evidence is currently insufficient to determine the role of this variant in disease. Therefore, it has been classified as a Variant of Uncertain Significance.